The following is an entry in ClinVar:

NM_001042492.3(NF1):c.5329del (p.Val1777fs)

Gene: NF1 (neurofibromin 1; plus strand). Cytogenetic location: 17q11.2.
Variant type: Deletion.
Coding change: c.5329del on transcript NM_001042492.3 (MANE Select); coding-DNA position 5329, one base deleted (G; older notation c.5329delG).
Protein change: p.Val1777fs; shifts the reading frame from valine 1777.
Molecular consequence: frameshift variant.
Genome position (GRCh38, 1-based): chr17:31,327,559, G deleted. VCF-style (leftmost placement, unchanged base first): chr17-31327558-AG-A. GRCh37 (hg19) VCF-style: chr17-29654576-AG-A.
Other names: c.5266delG, p.Val1756Serfs (NM_000267.4); c.5266delG (NM_000267.3); short protein forms V1756fs, V1777fs.
Identifiers: ClinVar variation 996398 (VCV000996398.6), dbSNP rs2069377259, ClinGen allele CA2255616314.
Genomic context (GRCh38, chr17:31,327,558, plus strand): 5'-GGTTGGTTCTACTGCTGTCCAAGTAACTTCAGCAGAGCGAACAAAAGTCCTAGGGCAATC[AG>A]TCTTTCTAAATGACATTTATTATGCTTCGGAAATTGAAGAAATCTGCCTAGTAGATGAGA-3'

ClinVar aggregate classification (germline): Pathogenic/Likely pathogenic. Review status: criteria provided, multiple submitters, no conflicts (2 of 4 stars). 3 submissions from 3 submitters: Pathogenic (1); Likely pathogenic (2). Last evaluated 2021-11-02.

Conditions:
NF1-related disorder. Also called: NF1-related condition. Identifiers: MedGen CN379171.
Cardiovascular phenotype. Identifiers: MedGen CN230736.
Hereditary cancer-predisposing syndrome. Also called: Hereditary Cancer Syndrome; Hereditary neoplastic syndrome; Tumor predisposition; Neoplastic Syndromes, Hereditary. Identifiers: Orphanet 140162, MedGen C0027672, MeSH D009386, MONDO:0015356.
Neurofibromatosis, type 1 (NF1). Also called: Neurofibromatosis, type I; Peripheral type neurofibromatosis; VON RECKLINGHAUSEN DISEASE; NEUROFIBROMATOSIS, TYPE I, SOMATIC. Identifiers: Orphanet 636, MedGen C0027831, MONDO:0018975, OMIM 162200. Disease mechanism: loss of function.

Submissions (3):

Blueprint Genetics
Classification: Likely pathogenic for NF1-related disorders. Last evaluated: 2021-11-02. Review status: criteria provided, single submitter. Criteria: ACMG Guidelines, 2015. Collection method: clinical testing. Allele origin: germline. Affected: yes. Observed: 1 variant allele.

Genome Diagnostics Laboratory, The Hospital for Sick Children
Classification: Likely pathogenic for Neurofibromatosis, type 1. Last evaluated: 2020-10-26. Review status: criteria provided, single submitter. Criteria: ACMG Guidelines, 2015. Collection method: clinical testing. Allele origin: germline. Affected: yes.

Ambry Genetics
Classification: Pathogenic for Cardiovascular phenotype; Hereditary cancer-predisposing syndrome. Last evaluated: 2020-07-16. Review status: criteria provided, single submitter. Criteria: Ambry Variant Classification Scheme 2023. Collection method: clinical testing. Allele origin: germline.
Comment: The c.5266delG pathogenic mutation, located in coding exon 37 of the NF1 gene, results from a deletion of one nucleotide at nucleotide position 5266, causing a translational frameshift with a predicted alternate stop codon (p.V1756Sfs*3). This alteration is expected to result in loss of function by premature protein truncation or nonsense-mediated mRNA decay. As such, this alteration is interpreted as a disease-causing mutation.